The following is an entry in ClinVar:

NM_005228.5(EGFR):c.1823G>A (p.Trp608Ter)

Gene: EGFR (epidermal growth factor receptor; plus strand). Cytogenetic location: 7p11.2.
Variant type: single nucleotide variant.
Coding change: c.1823G>A on transcript NM_005228.5 (MANE Select); coding-DNA position 1823, G replaced by A.
Protein change: p.Trp608Ter; replaces tryptophan 608 with a stop codon.
Molecular consequence: nonsense.
Genome position (GRCh38, 1-based): chr7:55,165,380, G>A. VCF-style: chr7-55165380-G-A. GRCh37 (hg19) VCF-style: chr7-55233073-G-A.
Other names: c.1688G>A, p.Trp563Ter (NM_001346897.2, NM_001346899.2); c.1823G>A, p.Trp608Ter (NM_001346898.2, NM_201282.2, NM_201284.2); c.1664G>A, p.Trp555Ter (NM_001346900.2); c.1022G>A, p.Trp341Ter (NM_001346941.2); short protein forms W563*, W608*, W555*, W341*.
Identifiers: ClinVar variation 4726907 (VCV004726907.1).
Genomic context (GRCh38, chr7:55,165,380, plus strand): 5'-GCCCCCACTGCGTCAAGACCTGCCCGGCAGGAGTCATGGGAGAAAACAACACCCTGGTCT[G>A]GAAGTACGCAGACGCCGGCCATGTGTGCCACCTGTGCCATCCAAACTGCACCTACGGGTG-3'

ClinVar aggregate classification (germline): Pathogenic (1 of 4 stars; one submission).

Conditions:
EGFR-related lung cancer (EGFR). Identifiers: MedGen CN130014.

Submission:

Labcorp Genetics (formerly Invitae), Labcorp
Classification: Pathogenic for EGFR-related lung cancer. Last evaluated: 2025-09-10. Review status: criteria provided, single submitter. Criteria: Invitae Variant Classification Sherloc (09022015). Collection method: clinical testing. Allele origin: germline.
Comment: This sequence change creates a premature translational stop signal (p.Trp608*) in the EGFR gene. It is expected to result in an absent or disrupted protein product. Loss-of-function variants in EGFR are known to be pathogenic (PMID: 7630400, 28726809, 29899996). This variant is not present in population databases (gnomAD no frequency). This variant has not been reported in the literature in individuals affected with EGFR-related conditions. For these reasons, this variant has been classified as Pathogenic.

Literature cited by the submitters: PubMed 7630400; PubMed 28726809; PubMed 29899996.